The following is an entry in ClinVar:

ClinVar aggregate classification (germline): Uncertain significance (1 of 4 stars; one submission).

Conditions:
Hereditary cancer-predisposing syndrome. Also called: Hereditary Cancer Syndrome; Hereditary neoplastic syndrome; Neoplastic Syndromes, Hereditary; Tumor predisposition. Identifiers: Orphanet 140162, MedGen C0027672, MeSH D009386, MONDO:0015356.

Submission:

Ambry Genetics
Classification: Uncertain significance for Hereditary cancer-predisposing syndrome. Last evaluated: 2015-12-12. Review status: criteria provided, single submitter. Criteria: Ambry Variant Classification Scheme 2023. Collection method: clinical testing. Allele origin: germline.
Comment: The p.T19R variant (also known as c.56C>G), located in coding exon 1 of the CDK4 gene, results from a C to G substitution at nucleotide position 56. The threonine at codon 19 is replaced by arginine, an amino acid with similar properties. This variant was not reported in population based cohorts in the following databases: Database of Single Nucleotide Polymorphisms (dbSNP), NHLBI Exome Sequencing Project (ESP), and 1000 Genomes Project. In the ESP, this variant was not observed in 6503 samples (13006 alleles) with coverage at this position. To date, this alteration has been detected with an allele frequency of approximately 0.002% (greater than 50000 alleles tested) in our clinical cohort. This amino acid position is well conserved in available vertebrate species. In addition, this alteration is predicted to be deleterious by in silico analysis. Since supporting evidence is limited at this time, the clinical significance of p.T19R remains unclear.

NM_000075.4(CDK4):c.56C>G (p.Thr19Arg)

Gene: CDK4 (cyclin dependent kinase 4; minus strand). Cytogenetic location: 12q14.1.
Variant type: single nucleotide variant.
Coding change: c.56C>G on transcript NM_000075.4 (MANE Select); coding-DNA position 56, C replaced by G.
Protein change: p.Thr19Arg; replaces threonine 19 with arginine.
Molecular consequence: missense variant.
Genome position (GRCh38, 1-based): chr12:57,751,662, G>C on the plus strand (C>G on the coding strand, the complement: CDK4 is on the minus strand). VCF-style: chr12-57751662-G-C. GRCh37 (hg19) VCF-style: chr12-58145445-G-C.
Other names: short protein forms T19R.
Identifiers: ClinVar variation 1749150 (VCV001749150.2), dbSNP rs2140388639, ClinGen allele CA385549082.